The following is an entry in ClinVar:

NR_046473.1(MEG3):n.7358C>G

Gene: MEG3 (maternally expressed 3; plus strand). Cytogenetic location: 14q32.2.
Variant type: single nucleotide variant.
Molecular consequence: non-coding transcript variant (on NR_046473.1).
Genome position: GRCh38 VCF-style: chr14-100851974-C-G. GRCh37 (hg19) VCF-style: chr14-101318311-C-G.
Identifiers: ClinVar variation 3055484 (VCV003055484.2), dbSNP rs2295389, ClinGen allele CA13971815.

ClinVar aggregate classification (germline): Benign (0 of 4 stars; one submission).

Conditions:
MEG3-related disorder. Also called: MEG3-related condition.

Allele frequency attached by ClinVar (database versions not stated): 1000 Genomes Project 30x 0.26390; TOPMed 0.27310; 1000 Genomes Project 0.27416; gnomAD 0.29107; gnomAD exomes 0.33571.
gnomAD v4.1: 58,435 of 194,118 alleles (30%); highest among the groups gnomAD compares: South Asian, 36%; 10,139 homozygotes.

Submission:

PreventionGenetics, part of Exact Sciences
Classification: Benign for MEG3-related condition. Last evaluated: 2019-06-28. Review status: no assertion criteria provided. Collection method: clinical testing. Allele origin: germline.
Comment: This variant is classified as benign based on ACMG/AMP sequence variant interpretation guidelines (Richards et al. 2015 PMID: 25741868, with internal and published modifications).